The following is an entry in ClinVar:

NM_006486.3(FBLN1):c.957C>T (p.Cys319=)

Gene: FBLN1 (fibulin 1; plus strand). Cytogenetic location: 22q13.31.
Variant type: single nucleotide variant.
Coding change: c.957C>T on transcript NM_006486.3 (MANE Select); coding-DNA position 957, C replaced by T.
Protein change: p.Cys319=; no amino-acid change (cysteine 319 retained).
Molecular consequence: synonymous variant.
Genome position (GRCh38, 1-based): chr22:45,541,263, C>T. VCF-style: chr22-45541263-C-T. GRCh37 (hg19) VCF-style: chr22-45937143-C-T.
Other names: c.957C>T, p.Cys319= (NM_001996.4, NM_006485.4, NM_006487.3).
Identifiers: ClinVar variation 784424 (VCV000784424.15), dbSNP rs145056490, ClinGen allele CA10286765.

ClinVar aggregate classification (germline): Benign/Likely benign. Review status: criteria provided, multiple submitters, no conflicts (2 of 4 stars). 4 submissions from 4 submitters: Benign (2); Likely benign (2). Last evaluated 2026-02-01.

Allele frequency attached by ClinVar (database versions not stated): gnomAD exomes 0.00037 and 0.00093; ExAC 0.00109; gnomAD 0.00370 and 0.00379; TOPMed 0.00374; ESP Exome Variant Server 0.00431; 1000 Genomes Project 0.00459; 1000 Genomes Project 30x 0.00500.

Submissions (4):

CeGaT Center for Human Genetics Tuebingen
Classification: Likely benign. Last evaluated: 2026-02-01. Review status: criteria provided, single submitter. Criteria: CeGaT Center For Human Genetics Tuebingen Variant Classification Criteria Version 2. Collection method: clinical testing. Allele origin: germline. Affected: yes. Observed: 1 variant allele.
Comment: FBLN1: BP4, BP7, BS1

Blueprint Genetics
Classification: Likely benign. Last evaluated: 2024-11-13. Review status: criteria provided, single submitter. Criteria: ACMG Guidelines, 2015. Collection method: clinical testing. Allele origin: germline.

Labcorp Genetics (formerly Invitae), Labcorp
Classification: Benign. Last evaluated: 2023-11-27. Review status: criteria provided, single submitter. Criteria: Invitae Variant Classification Sherloc (09022015). Collection method: clinical testing. Allele origin: germline.

Breakthrough Genomics
Classification: Benign. Review status: criteria provided, single submitter. Criteria: ACMG Guidelines, 2015. Collection method: not provided. Allele origin: germline. Inheritance: Autosomal dominant inheritance. Affected: yes.